The following is an entry in ClinVar:

ClinVar aggregate classification (germline): Uncertain significance. Review status: criteria provided, multiple submitters, no conflicts (2 of 4 stars). 2 submissions from 2 submitters: Uncertain significance (2). Last evaluated 2025-11-01.

Allele frequency attached by ClinVar (database versions not stated): TOPMed below 0.00001; gnomAD exomes below 0.00001; gnomAD 0.00001.
gnomAD v4.1: 4 of 1,613,872 alleles (0.00025%); highest among the groups gnomAD compares: African/African-American, 0.0053%; no homozygotes.

Submissions (2):

Labcorp Genetics (formerly Invitae), Labcorp
Classification: Uncertain significance. Last evaluated: 2025-11-01. Review status: criteria provided, single submitter. Criteria: Invitae Variant Classification Sherloc (09022015). Collection method: clinical testing. Allele origin: germline.
Comment: This sequence change replaces leucine, which is neutral and non-polar, with valine, which is neutral and non-polar, at codon 641 of the ATRN protein (p.Leu641Val). This variant is not present in population databases (gnomAD no frequency). This variant has not been reported in the literature in individuals affected with ATRN-related conditions. ClinVar contains an entry for this variant (Variation ID: 2513569). An algorithm developed to predict the effect of missense changes on protein structure and function (PolyPhen-2) suggests that this variant is likely to be tolerated. In summary, the available evidence is currently insufficient to determine the role of this variant in disease. Therefore, it has been classified as a Variant of Uncertain Significance.

Ambry Genetics
Classification: Uncertain significance. Last evaluated: 2025-09-25. Review status: criteria provided, single submitter. Criteria: Ambry Variant Classification Scheme 2023. Collection method: clinical testing. Allele origin: germline.

NM_139321.3(ATRN):c.1921C>G (p.Leu641Val)

Gene: ATRN (attractin; plus strand). Cytogenetic location: 20p13.
Variant type: single nucleotide variant.
Coding change: c.1921C>G on transcript NM_139321.3 (MANE Select); coding-DNA position 1921, C replaced by G.
Protein change: p.Leu641Val; replaces leucine 641 with valine.
Molecular consequence: missense variant.
Genome position (GRCh38, 1-based): chr20:3,572,780, C>G. VCF-style: chr20-3572780-C-G. GRCh37 (hg19) VCF-style: chr20-3553427-C-G.
Other names: c.1573C>G, p.Leu525Val (NM_001207047.3); c.1921C>G, p.Leu641Val (NM_001323332.2, NM_139322.4); short protein forms L525V, L641V.
Identifiers: ClinVar variation 2513569 (VCV002513569.4), dbSNP rs2086145095, ClinGen allele CA408092720.